The following is an entry in ClinVar:

ClinVar aggregate classification (germline): Conflicting classifications of pathogenicity. Review status: criteria provided, conflicting classifications (1 of 4 stars). 7 submissions from 5 submitters: Uncertain significance (6); Likely benign (1). Last evaluated 2025-05-01.

Conditions:
Southeast Asian ovalocytosis. Also called: Stomatocytic elliptocytosis, hereditary; Ovalocytosis, Malaysian-Melanesian-Filipino type; Elliptocytosis 4; HE, STOMATOCYTIC. Identifiers: Orphanet 98868, MedGen C1862322, MONDO:0008165, OMIM 166900.
Hereditary spherocytosis type 4. Also called: SLC4A1-Related Spherocytosis. Identifiers: Orphanet 822, MedGen C2675212, MONDO:0012981, OMIM 612653.
Cryohydrocytosis. Also called: STOMATOCYTOSIS, COLD-SENSITIVE; Hereditary cryohydrocytosis with normal stomatin; CRYOHYDROCYTOSIS DUE TO BAND 3 HEMEL; CRYOHYDROCYTOSIS DUE TO BAND 3 HURSTPIERPOINT; CRYOHYDROCYTOSIS DUE TO BAND 3 BLACKBURN. Identifiers: Orphanet 398088, MedGen C1861453, MONDO:0008494, OMIM 185020.
Autosomal dominant distal renal tubular acidosis (DRTA1). Also called: RTA, CLASSIC TYPE; RTA, DISTAL TYPE, AUTOSOMAL DOMINANT; RTA, GRADIENT TYPE; Renal Tubular Acidosis, Type I; RENAL TUBULAR ACIDOSIS, DISTAL, 1. Identifiers: Orphanet 93608, MedGen CN280572, MONDO:0008368, OMIM 179800.
Renal tubular acidosis, distal, 4, with hemolytic anemia. Also called: Renal Tubular Acidosis, Distal, with Hemolytic Anemia. Identifiers: Orphanet 93610, MedGen C5436235, MONDO:0012700, OMIM 611590.
Malaria, susceptibility to. Identifiers: Orphanet 673, MedGen C1970028, MONDO:0021024, OMIM 611162.
BLOOD GROUP, WALDNER (WD). Also called: WALDNER BLOOD GROUP ANTIGEN. Identifiers: MedGen C1862191, OMIM 112010.
BLOOD GROUP--FROESE (FR). Also called: FROESE BLOOD GROUP ANTIGEN. Identifiers: MedGen C1832168, OMIM 601551.
BLOOD GROUP--WRIGHT ANTIGEN (WR). Identifiers: MedGen C1862190, OMIM 112050.
BLOOD GROUP--SWANN SYSTEM (SW). Also called: SWANN BLOOD GROUP. Identifiers: MedGen C1832169, OMIM 601550.
BLOOD GROUP--DIEGO SYSTEM (DI). Identifiers: MedGen C1292286, OMIM 110500.
Hemolytic anemia. Identifiers: MedGen C0002878, MONDO:0003664, HP:0001878.

Allele frequency attached by ClinVar (database versions not stated): ExAC 0.00002; gnomAD 0.00002; gnomAD exomes 0.00003 and 0.00008; TOPMed 0.00003.
gnomAD v4.1: 121 of 1,613,896 alleles (0.0075%); highest among the groups gnomAD compares: Non-Finnish European, 0.01%; no homozygotes.

Submissions (7):

CeGaT Center for Human Genetics Tuebingen
Classification: Uncertain significance. Last evaluated: 2025-05-01. Review status: criteria provided, single submitter. Criteria: CeGaT Center For Human Genetics Tuebingen Variant Classification Criteria Version 2. Collection method: clinical testing. Allele origin: germline. Affected: yes. Observed: 1 variant allele.
Comment: SLC4A1: PM2, BP4

Revvity Omics, Revvity
Classification: Uncertain significance. Last evaluated: 2024-11-05. Review status: criteria provided, single submitter. Criteria: ACMG Guidelines, 2015. Collection method: clinical testing. Allele origin: germline.

Fulgent Genetics
Classification: Uncertain significance for BLOOD GROUP--DIEGO SYSTEM; BLOOD GROUP, WALDNER; BLOOD GROUP--WRIGHT ANTIGEN; Southeast Asian ovalocytosis; Autosomal dominant distal renal tubular acidosis; Cryohydrocytosis; BLOOD GROUP--SWANN SYSTEM; BLOOD GROUP--FROESE; Malaria, susceptibility to; Renal tubular acidosis, distal, 4, with hemolytic anemia; Hereditary spherocytosis type 4. Last evaluated: 2024-03-07. Review status: criteria provided, single submitter. Criteria: ACMG Guidelines, 2015. Collection method: clinical testing. Allele origin: germline.

Labcorp Genetics (formerly Invitae), Labcorp
Classification: Uncertain significance. Last evaluated: 2023-04-09. Review status: criteria provided, single submitter. Criteria: Invitae Variant Classification Sherloc (09022015). Collection method: clinical testing. Allele origin: germline.
Comment: This variant is present in population databases (rs746406399, gnomAD 0.006%). In summary, the available evidence is currently insufficient to determine the role of this variant in disease. Therefore, it has been classified as a Variant of Uncertain Significance. Advanced modeling of protein sequence and biophysical properties (such as structural, functional, and spatial information, amino acid conservation, physicochemical variation, residue mobility, and thermodynamic stability) performed at Invitae indicates that this missense variant is not expected to disrupt SLC4A1 protein function. ClinVar contains an entry for this variant (Variation ID: 891993). This variant has not been reported in the literature in individuals affected with SLC4A1-related conditions. This sequence change replaces isoleucine, which is neutral and non-polar, with valine, which is neutral and non-polar, at codon 276 of the SLC4A1 protein (p.Ile276Val).

Illumina Laboratory Services, Illumina
Classification: Uncertain significance for Hereditary spherocytosis type 4. Last evaluated: 2018-01-13. Review status: criteria provided, single submitter. Criteria: ICSL Variant Classification Criteria 13 December 2019. Collection method: clinical testing. Allele origin: germline.

Illumina Laboratory Services, Illumina
Classification: Uncertain significance for Hemolytic anemia. Last evaluated: 2018-01-13. Review status: criteria provided, single submitter. Criteria: ICSL Variant Classification Criteria 13 December 2019. Collection method: clinical testing. Allele origin: germline.

Illumina Laboratory Services, Illumina
Classification: Likely benign for Autosomal dominant distal renal tubular acidosis. Last evaluated: 2018-01-13. Review status: criteria provided, single submitter. Criteria: ICSL Variant Classification Criteria 13 December 2019. Collection method: clinical testing. Allele origin: germline.
Comment: This variant was observed in the ICSL laboratory as part of a predisposition screen in an ostensibly healthy population. It had not been previously curated by ICSL or reported in the Human Gene Mutation Database (HGMD: prior to June 1st, 2018), and was therefore a candidate for classification through an automated scoring system. Utilizing variant allele frequency, disease prevalence and penetrance estimates, and inheritance mode, an automated score was calculated to assess if this variant is too frequent to cause the disease. Based on the score and internal cut-off values, a variant classified as likely benign is not then subjected to further curation. The score for this variant resulted in a classification of likely benign for this disease.

NM_000342.4(SLC4A1):c.826A>G (p.Ile276Val)

Gene: SLC4A1 (solute carrier family 4 member 1 (Diego blood group); minus strand). Cytogenetic location: 17q21.31.
Variant type: single nucleotide variant.
Coding change: c.826A>G on transcript NM_000342.4 (MANE Select); coding-DNA position 826, A replaced by G.
Protein change: p.Ile276Val; replaces isoleucine 276 with valine.
Molecular consequence: missense variant.
Genome position (GRCh38, 1-based): chr17:44,259,213, T>C on the plus strand (A>G on the coding strand, the complement: SLC4A1 is on the minus strand). VCF-style: chr17-44259213-T-C. GRCh37 (hg19) VCF-style: chr17-42336581-T-C.
Other names: short protein forms I276V.
Identifiers: ClinVar variation 891993 (VCV000891993.26), dbSNP rs746406399, ClinGen allele CA8600454.